The following is an entry in ClinVar:

ClinVar aggregate classification (germline): Uncertain significance. Review status: criteria provided, multiple submitters, no conflicts (2 of 4 stars). 2 submissions from 2 submitters: Uncertain significance (2). Last evaluated 2025-08-20.

Conditions:
Familial focal epilepsy with variable foci (FPEVF). Identifiers: Orphanet 98820, MedGen C1858477, MONDO:0020310.
Inborn genetic diseases. Identifiers: MedGen C0950123, MeSH D030342.

Allele frequency attached by ClinVar (database versions not stated): ExAC 0.00002; TOPMed 0.00002.
gnomAD v4.1: 7 of 1,613,998 alleles (0.00043%); highest among the groups gnomAD compares: Admixed American, 0.012%; no homozygotes.

Submissions (2):

Ambry Genetics
Classification: Uncertain significance for Inborn genetic diseases. Last evaluated: 2025-08-20. Review status: criteria provided, single submitter. Criteria: Ambry Variant Classification Scheme 2023. Collection method: clinical testing. Allele origin: germline.

Labcorp Genetics (formerly Invitae), Labcorp
Classification: Uncertain significance for Familial focal epilepsy with variable foci. Last evaluated: 2025-05-27. Review status: criteria provided, single submitter. Criteria: Invitae Variant Classification Sherloc (09022015). Collection method: clinical testing. Allele origin: germline.
Comment: This sequence change replaces asparagine, which is neutral and polar, with aspartic acid, which is acidic and polar, at codon 417 of the DEPDC5 protein (p.Asn417Asp). This variant is present in population databases (rs763518514, gnomAD 0.01%). This variant has not been reported in the literature in individuals affected with DEPDC5-related conditions. ClinVar contains an entry for this variant (Variation ID: 1020202). Experimental studies and prediction algorithms are not available or were not evaluated, and the functional significance of this variant is currently unknown. In summary, the available evidence is currently insufficient to determine the role of this variant in disease. Therefore, it has been classified as a Variant of Uncertain Significance.

NM_001242896.3(DEPDC5):c.1249A>G (p.Asn417Asp)

Gene: DEPDC5 (DEP domain containing 5, GATOR1 subcomplex subunit; plus strand). Cytogenetic location: 22q12.3.
Variant type: single nucleotide variant.
Coding change: c.1249A>G on transcript NM_001242896.3 (MANE Select); coding-DNA position 1249, A replaced by G.
Protein change: p.Asn417Asp; replaces asparagine 417 with aspartic acid.
Molecular consequence: missense variant. On other transcripts: non-coding transcript variant (5).
Genome position (GRCh38, 1-based): chr22:31,806,153, A>G. VCF-style: chr22-31806153-A-G. GRCh37 (hg19) VCF-style: chr22-32202139-A-G.
Other names: c.1249A>G, p.Asn417Asp (NM_001007188.4, NM_001136029.4, NM_001242897.2 and 7 more transcripts); c.1165A>G, p.Asn389Asp (NM_001369901.1, NM_001369902.1); c.1249A>G (NM_001242896.1); short protein forms N389D, N417D.
Identifiers: ClinVar variation 1020202 (VCV001020202.7), dbSNP rs763518514, ClinGen allele CA10196294.